The following is an entry in ClinVar:

ClinVar aggregate classification (germline): Conflicting classifications of pathogenicity. Review status: criteria provided, conflicting classifications (1 of 4 stars). 3 submissions from 3 submitters: Uncertain significance (2); Likely benign (1). Last evaluated 2026-06-17.

Conditions:
Sessile serrated polyposis cancer syndrome (SSPCS). Identifiers: Orphanet 157798, MedGen C4310714, MONDO:0014919, OMIM 617108.

Allele frequency attached by ClinVar (database versions not stated): gnomAD 0.00001; ESP Exome Variant Server 0.00008; TOPMed 0.00001.
gnomAD v4.1: 6 of 1,613,842 alleles (0.00037%); highest among the groups gnomAD compares: African/African-American, 0.0053%; no homozygotes.

Submissions (3):

Ambry Genetics
Classification: Likely benign. Last evaluated: 2026-06-17. Review status: criteria provided, single submitter. Criteria: Ambry Variant Classification Scheme 2023. Collection method: clinical testing. Allele origin: germline.

Baylor Genetics
Classification: Uncertain significance for Sessile serrated polyposis cancer syndrome. Last evaluated: 2024-03-04. Review status: criteria provided, single submitter. Criteria: ACMG Guidelines, 2015. Collection method: clinical testing. Allele origin: unknown.

GeneDx
Classification: Uncertain significance. Last evaluated: 2023-10-18. Review status: criteria provided, single submitter. Criteria: GeneDx Variant Classification Process June 2021. Collection method: clinical testing. Allele origin: germline. Affected: yes.
Comment: Not observed at significant frequency in large population cohorts (gnomAD); In silico analysis supports that this missense variant does not alter protein structure/function; Has not been previously published as pathogenic or benign to our knowledge; Variants in candidate genes are classified as variants of uncertain significance in accordance with ACMG guidelines (Richards et al., 2015)

NM_017763.6(RNF43):c.1522C>A (p.Leu508Ile)

Gene: RNF43 (ring finger protein 43; minus strand). Cytogenetic location: 17q22.
Variant type: single nucleotide variant.
Coding change: c.1522C>A on transcript NM_017763.6 (MANE Select); coding-DNA position 1522, C replaced by A.
Protein change: p.Leu508Ile; replaces leucine 508 with isoleucine.
Molecular consequence: missense variant.
Genome position (GRCh38, 1-based): chr17:58,358,254, G>T on the plus strand (C>A on the coding strand, the complement: RNF43 is on the minus strand). VCF-style: chr17-58358254-G-T. GRCh37 (hg19) VCF-style: chr17-56435615-G-T.
Other names: c.1522C>A (NM_017763.4); c.1522C>A, p.Leu508Ile (NM_001305544.3); c.1141C>A, p.Leu381Ile (NM_001305545.2); short protein forms L381I, L508I.
Identifiers: ClinVar variation 3240356 (VCV003240356.3), dbSNP rs147789866.
Genomic context (GRCh38, chr17:58,358,254, plus strand): 5'-AGGTCACACTAGGCTGCATGTCCACTCGCTGGGGATCCCCTTTAGGGCTGCAGTACACTA[G>T]GGGGTCAAAGTCACTGCTTAGGGAGCTGCAGAAAGTAGAACTGCTGCCATGGACCCCCTG-3'
Protein context (NP_060233.3, residues 498-518): CSSLSSDFDP[Leu508Ile]VYCSPKGDPQ